The following is an entry in ClinVar:

NM_000441.2(SLC26A4):c.673dup (p.Thr225fs)

Gene: SLC26A4 (solute carrier family 26 member 4; plus strand). Cytogenetic location: 7q22.3.
Variant type: Duplication.
Coding change: c.673dup on transcript NM_000441.2 (MANE Select); coding-DNA position 673, one base duplicated (A; older notation c.673dupA).
Protein change: p.Thr225fs; shifts the reading frame from threonine 225.
Molecular consequence: frameshift variant.
Genome position (GRCh38, 1-based): chr7:107,675,017, A duplicated; the last of 2 consecutive A bases (chr7:107,675,016-107,675,017); duplicating either gives the same sequence. VCF-style (leftmost placement, unchanged base first): chr7-107675015-C-CA. GRCh37 (hg19) VCF-style: chr7-107315460-C-CA.
Other names: short protein forms T225fs.
Identifiers: ClinVar variation 5012485 (VCV005012485.1).

ClinVar aggregate classification (germline): Pathogenic (1 of 4 stars; one submission).

Conditions:
Pendred syndrome (PDS). Also called: Pendred Syndrome (PDS); DEAFNESS WITH GOITER; GOITER-DEAFNESS SYNDROME; HYPOTHYROIDISM, CONGENITAL, DUE TO DYSHORMONOGENESIS, 2B; THYROID DYSHORMONOGENESIS 2B; THYROID HORMONOGENESIS, GENETIC DEFECT IN, 2B. Identifiers: Orphanet 705, MedGen C0271829, MONDO:0010134, OMIM 274600.

Submission:

Myriad Genetics, Inc.
Classification: Pathogenic for Pendred syndrome. Last evaluated: 2023-11-15. Review status: criteria provided, single submitter. Criteria: Myriad Autosomal Dominant, Autosomal Recessive and X-Linked Classification Criteria (2023). Collection method: clinical testing. Allele origin: unknown.
Comment: NM_000441.1(SLC26A4):c.673dupA(T225Nfs*35) is expected to be pathogenic in the context of Pendred syndrome. This variant is predicted to lead to an abnormal or absent protein product due to the creation of a premature termination codon in SLC26A4, a gene where loss-of-function variants are known to be pathogenic. Please note: this variant was assessed in the context of healthy population screening.